The following is an entry in ClinVar:

ClinVar aggregate classification (germline): Likely pathogenic (1 of 4 stars; one submission).

Conditions:
Coffin-Siris syndrome 12. Identifiers: MedGen C5444111, MONDO:0025699, OMIM 619325.

Submission:

Clinical Genetics Laboratory, Skane University Hospital Lund
Classification: Likely pathogenic for Coffin-Siris syndrome 12. Last evaluated: 2026-03-12. Review status: criteria provided, single submitter. Criteria: ACMG Guidelines, 2015. Collection method: clinical testing. Allele origin: germline. Affected: yes.
Comment: The detected copy number variant represents a 563 kb deletion at chromosomal band 19q13.32q13.33, encompassing the entire BICRA gene. This copy number variant has not previously been observed in the general population, and corresponding deletions have been described in the literature (see PMID: 33232675) and reported in ClinVar (Variation ID: 2504585). Zebrafish studies involving loss-of-function variants in BICRA have demonstrated phenotypes similar to those observed in affected patients (PMID: 33232675). The variant has been classified as likely pathogenic based on the following ACMG criteria: 1A (Contains protein-coding or other known functionally important elements; 0p); 2A (Complete overlap of an established haploinsufficiency gene/genomic region; 0.8p); and 5G (Inheritance information is unavailable or uninformative; the patient phenotype is non-specific but consistent with what has been described in similar cases; 0.15p).

Single allele

Genes: BICRA (BRD4 interacting chromatin remodeling complex associated protein; plus strand), BICRA-AS2 (BICRA antisense RNA 2; minus strand), C5AR1 (complement C5a receptor 1; plus strand), C5AR2 (complement C5a receptor 2; plus strand), CCDC9 (coiled-coil domain containing 9; plus strand) and 55 more. Cytogenetic location: 19q13.32-13.33.
Variant type: Deletion.
Identifiers: ClinVar variation 4813291 (VCV004813291.1).